The following is an entry in ClinVar:

ClinVar aggregate classification (germline): Likely benign (1 of 4 stars; one submission).

gnomAD v4.1: 1 of 1,613,996 alleles (0.000062%); highest among the groups gnomAD compares: Non-Finnish European, 0.000085%; no homozygotes.

Submission:

CeGaT Center for Human Genetics Tuebingen
Classification: Likely benign. Last evaluated: 2024-07-01. Review status: criteria provided, single submitter. Criteria: CeGaT Center For Human Genetics Tuebingen Variant Classification Criteria Version 2. Collection method: clinical testing. Allele origin: germline. Affected: yes. Observed: 1 variant allele.
Comment: SLC2A10: PM2:Supporting, BP4, BP7

NM_030777.4(SLC2A10):c.624G>A (p.Lys208=)

Gene: SLC2A10 (solute carrier family 2 member 10; plus strand). Cytogenetic location: 20q13.12.
Variant type: single nucleotide variant.
Coding change: c.624G>A on transcript NM_030777.4 (MANE Select); coding-DNA position 624, G replaced by A.
Protein change: p.Lys208=; no amino-acid change (lysine 208 retained).
Molecular consequence: synonymous variant.
Genome position (GRCh38, 1-based): chr20:46,725,660, G>A. VCF-style: chr20-46725660-G-A. GRCh37 (hg19) VCF-style: chr20-45354299-G-A.
Identifiers: ClinVar variation 3257416 (VCV003257416.17).